The following is an entry in ClinVar:

ClinVar aggregate classification (germline): Uncertain significance (1 of 4 stars; one submission).

Conditions:
Pitt-Hopkins-like syndrome 2 (PTHSL2). Identifiers: Orphanet 221150, Orphanet 600663, MedGen C3280479, MONDO:0013690, OMIM 614325.

Submission:

Labcorp Genetics (formerly Invitae), Labcorp
Classification: Uncertain significance for Pitt-Hopkins-like syndrome 2. Last evaluated: 2026-01-28. Review status: criteria provided, single submitter. Criteria: Invitae Variant Classification Sherloc (09022015). Collection method: clinical testing. Allele origin: germline.
Comment: This sequence change replaces aspartic acid, which is acidic and polar, with tyrosine, which is neutral and polar, at codon 695 of the NRXN1 protein (p.Asp695Tyr). This variant is not present in population databases (gnomAD no frequency). This variant has not been reported in the literature in individuals affected with NRXN1-related conditions. An algorithm developed to predict the effect of missense changes on protein structure and function (PolyPhen-2) suggests that this variant is likely to be disruptive. In summary, the available evidence is currently insufficient to determine the role of this variant in disease. Therefore, it has been classified as a Variant of Uncertain Significance.

NM_001330078.2(NRXN1):c.1963G>T (p.Asp655Tyr)

Gene: NRXN1 (neurexin 1; minus strand). Cytogenetic location: 2p16.3.
Variant type: single nucleotide variant.
Coding change: c.1963G>T on transcript NM_001330078.2 (MANE Select); coding-DNA position 1963, G replaced by T.
Protein change: p.Asp655Tyr; replaces aspartic acid 655 with tyrosine.
Molecular consequence: missense variant.
Genome position (GRCh38, 1-based): chr2:50,538,433, C>A on the plus strand (G>T on the coding strand, the complement: NRXN1 is on the minus strand). VCF-style: chr2-50538433-C-A. GRCh37 (hg19) VCF-style: chr2-50765571-C-A.
Other names: c.2083G>T, p.Asp695Tyr (NM_001135659.3); c.1939G>T, p.Asp647Tyr (NM_001330077.2, NM_001330082.2, NM_001330095.2); c.1924G>T, p.Asp642Tyr (NM_001330083.2, NM_001330084.2); c.1963G>T, p.Asp655Tyr (NM_001330085.2, NM_001330086.2, NM_004801.6); c.1879G>T, p.Asp627Tyr (NM_001330087.2, NM_001330096.2); c.1909G>T, p.Asp637Tyr (NM_001330088.2); c.1960G>T, p.Asp654Tyr (NM_001330093.2); c.1951G>T, p.Asp651Tyr (NM_001330094.2); short protein forms D642Y, D627Y, D655Y, D695Y, D637Y, D651Y, D654Y, D647Y.
Identifiers: ClinVar variation 4736363 (VCV004736363.1).
Genomic context (GRCh38, chr2:50,538,433, plus strand): 5'-CCTTTGAGCAGGAAGGCTTCACTCCAGCAGTACTTTGAACTTCAGCCATTTGCCGGATAT[C>A]TTTGCTTTGGCCATCGATGAACAAATCCCTGATGCAGCCCACGTAGCCATAGTTGAGCAG-3'
Protein context (NP_001317007.1, residues 645-665): RDLFIDGQSK[Asp655Tyr]IRQMAEVQST